The following is an entry in ClinVar:

NM_012414.4(RAB3GAP2):c.2758G>A (p.Glu920Lys)

Gene: RAB3GAP2 (RAB3 GTPase activating non-catalytic protein subunit 2; minus strand). Cytogenetic location: 1q41.
Variant type: single nucleotide variant.
Coding change: c.2758G>A on transcript NM_012414.4 (MANE Select); coding-DNA position 2758, G replaced by A.
Protein change: p.Glu920Lys; replaces glutamic acid 920 with lysine.
Molecular consequence: missense variant.
Genome position (GRCh38, 1-based): chr1:220,170,940, C>T on the plus strand (G>A on the coding strand, the complement: RAB3GAP2 is on the minus strand). VCF-style: chr1-220170940-C-T. GRCh37 (hg19) VCF-style: chr1-220344282-C-T.
Other names: short protein forms E920K.
Identifiers: ClinVar variation 1716128 (VCV001716128.5), dbSNP rs2528641019, ClinGen allele CA344637633.

ClinVar aggregate classification (germline): Uncertain significance (1 of 4 stars; one submission).

Conditions:
Warburg micro syndrome 2 (WARBM2). Also called: MICRO SYNDROME 2. Identifiers: Orphanet 2510, MedGen C3280214, MONDO:0013641, OMIM 614225.
Martsolf syndrome (MARTS). Also called: Congenital cataract with intellectual disability and hypogonadotropic hypogonadism syndrome. Identifiers: Orphanet 1387, MedGen C0796037, MONDO:0023910.

Allele frequency attached by ClinVar (database versions not stated): gnomAD exomes below 0.00001.
gnomAD v4.1: 2 of 1,614,194 alleles (0.00012%); highest among the groups gnomAD compares: Admixed American, 0.0017%; no homozygotes.

Submission:

Labcorp Genetics (formerly Invitae), Labcorp
Classification: Uncertain significance for Martsolf syndrome; Warburg micro syndrome 2. Last evaluated: 2022-08-11. Review status: criteria provided, single submitter. Criteria: Invitae Variant Classification Sherloc (09022015). Collection method: clinical testing. Allele origin: germline.
Comment: In summary, the available evidence is currently insufficient to determine the role of this variant in disease. Therefore, it has been classified as a Variant of Uncertain Significance. Algorithms developed to predict the effect of missense changes on protein structure and function are either unavailable or do not agree on the potential impact of this missense change (SIFT: "Deleterious"; PolyPhen-2: "Benign"; Align-GVGD: "Class C0"). This variant has not been reported in the literature in individuals affected with RAB3GAP2-related conditions. This variant is not present in population databases (gnomAD no frequency). This sequence change replaces glutamic acid, which is acidic and polar, with lysine, which is basic and polar, at codon 920 of the RAB3GAP2 protein (p.Glu920Lys).